The following is an entry in ClinVar:

ClinVar aggregate classification (germline): Uncertain significance (1 of 4 stars; one submission).

Conditions:
Neuroblastoma, susceptibility to, 3. Also called: ALK-Related Neuroblastic Tumor Susceptibility. Identifiers: Orphanet 635, MedGen C2751681, MONDO:0013083, OMIM 613014.

Submission:

Labcorp Genetics (formerly Invitae), Labcorp
Classification: Uncertain significance for Neuroblastoma, susceptibility to, 3. Last evaluated: 2022-08-12. Review status: criteria provided, single submitter. Criteria: Invitae Variant Classification Sherloc (09022015). Collection method: clinical testing. Allele origin: germline.
Comment: In summary, the available evidence is currently insufficient to determine the role of this variant in disease. Therefore, it has been classified as a Variant of Uncertain Significance. Algorithms developed to predict the effect of missense changes on protein structure and function (SIFT, PolyPhen-2, Align-GVGD) all suggest that this variant is likely to be disruptive. This variant has not been reported in the literature in individuals affected with ALK-related conditions. This variant is not present in population databases (gnomAD no frequency). This sequence change replaces glutamic acid, which is acidic and polar, with aspartic acid, which is acidic and polar, at codon 1299 of the ALK protein (p.Glu1299Asp).

NM_004304.5(ALK):c.3897G>C (p.Glu1299Asp)

Gene: ALK (ALK receptor tyrosine kinase; minus strand). Cytogenetic location: 2p23.2.
Variant type: single nucleotide variant.
Coding change: c.3897G>C on transcript NM_004304.5 (MANE Select); coding-DNA position 3897, G replaced by C.
Protein change: p.Glu1299Asp; replaces glutamic acid 1299 with aspartic acid.
Molecular consequence: missense variant.
Genome position (GRCh38, 1-based): chr2:29,207,212, C>G on the plus strand (G>C on the coding strand, the complement: ALK is on the minus strand). VCF-style: chr2-29207212-C-G. GRCh37 (hg19) VCF-style: chr2-29430078-C-G.
Other names: c.693G>C, p.Glu231Asp (NM_001353765.2); short protein forms E1299D, E231D.
Identifiers: ClinVar variation 1716148 (VCV001716148.5), dbSNP rs771521773, ClinGen allele CA346468695.